The following is an entry in ClinVar:

NM_000379.4(XDH):c.364A>T (p.Met122Leu)

Gene: XDH (xanthine dehydrogenase; minus strand). Cytogenetic location: 2p23.1.
Variant type: single nucleotide variant.
Coding change: c.364A>T on transcript NM_000379.4 (MANE Select); coding-DNA position 364, A replaced by T.
Protein change: p.Met122Leu; replaces methionine 122 with leucine.
Molecular consequence: missense variant.
Genome position (GRCh38, 1-based): chr2:31,398,642, T>A on the plus strand (A>T on the coding strand, the complement: XDH is on the minus strand). VCF-style: chr2-31398642-T-A. GRCh37 (hg19) VCF-style: chr2-31621508-T-A.
Other names: short protein forms M122L.
Identifiers: ClinVar variation 2417609 (VCV002417609.6), dbSNP rs768170843, ClinGen allele CA1599664.

ClinVar aggregate classification (germline): Uncertain significance. Review status: criteria provided, single submitter (1 of 4 stars). 2 submissions from 2 submitters: Uncertain significance (1). 1 of the submissions does not count toward it. Last evaluated 2022-07-24.

Conditions:
Xanthinuria type II. Also called: Xanthine dehydrogenase and aldehyde oxidase combined deficiency of; XDH and AOX dual deficiency. Identifiers: Orphanet 3467, Orphanet 93602, MedGen C1863688, MONDO:0011346, OMIM 603592.

Allele frequency attached by ClinVar (database versions not stated): ExAC 0.00003; TOPMed 0.00004; gnomAD 0.00007.

Submissions (2):

Labcorp Genetics (formerly Invitae), Labcorp
Classification: Uncertain significance for Xanthinuria type II. Last evaluated: 2022-07-24. Review status: criteria provided, single submitter. Criteria: Invitae Variant Classification Sherloc (09022015). Collection method: clinical testing. Allele origin: germline.
Comment: This variant is present in population databases (rs768170843, gnomAD 0.007%). This sequence change replaces methionine, which is neutral and non-polar, with leucine, which is neutral and non-polar, at codon 122 of the XDH protein (p.Met122Leu). This variant has not been reported in the literature in individuals affected with XDH-related conditions. Algorithms developed to predict the effect of missense changes on protein structure and function are either unavailable or do not agree on the potential impact of this missense change (SIFT: "Deleterious"; PolyPhen-2: "Probably Damaging"; Align-GVGD: "Class C0"). In summary, the available evidence is currently insufficient to determine the role of this variant in disease. Therefore, it has been classified as a Variant of Uncertain Significance.

Genetic Services Laboratory, University of Chicago
Classification: Uncertain significance. Last evaluated: 2022-05-27. Review status: no assertion criteria provided. Collection method: clinical testing. Allele origin: germline. Affected: no. Not counted in ClinVar's aggregate classification.
Comment: DNA sequence analysis of the XDH gene demonstrated a sequence change, c.364A>T, in exon 5 that results in an amino acid change, p.Met122Leu. This sequence change has been described in the gnomAD database with a frequency of 0.007% in the non-Finnish European subpopulation (dbSNP rs768170843). The p.Met122Leu change affects a highly conserved amino acid residue located in a domain of the XDH protein that is known to be functional. In-silico pathogenicity prediction tools (SIFT, PolyPhen2, Align GVGD, REVEL) provide contradictory results for the p.Met122Leu substitution. This sequence change does not appear to have been previously described in individuals with XDH-related disorders. Due to insufficient evidences and the lack of functional studies, the clinical significance of the p.Met122Leu change remains unknown at this time.